The following is an entry in ClinVar:

NM_000256.3(MYBPC3):c.2201G>A (p.Ser734Asn)

Gene: MYBPC3 (myosin binding protein C3; minus strand). Cytogenetic location: 11p11.2.
Variant type: single nucleotide variant.
Coding change: c.2201G>A on transcript NM_000256.3 (MANE Select); coding-DNA position 2201, G replaced by A.
Protein change: p.Ser734Asn; replaces serine 734 with asparagine.
Molecular consequence: missense variant.
Genome position (GRCh38, 1-based): chr11:47,338,627, C>T on the plus strand (G>A on the coding strand, the complement: MYBPC3 is on the minus strand). VCF-style: chr11-47338627-C-T. GRCh37 (hg19) VCF-style: chr11-47360178-C-T.
Other names: short protein forms S734N.
Identifiers: ClinVar variation 1695825 (VCV001695825.3), dbSNP rs2142856653, ClinGen allele CA380320469.

ClinVar aggregate classification (germline): Uncertain significance (1 of 4 stars; one submission).

Submission:

GeneDx
Classification: Uncertain significance. Last evaluated: 2026-07-22. Review status: criteria provided, single submitter. Criteria: GeneDx Variant Classification Process June 2021. Collection method: clinical testing. Allele origin: germline.
Comment: Not observed at significant frequency in large population cohorts (gnomAD); In silico analysis supports that this missense variant does not alter protein structure/function; Has not been previously published as pathogenic or benign to our knowledge